The following is an entry in ClinVar:

NM_145331.3(MAP3K7):c.745C>T (p.Pro249Ser)

Gene: MAP3K7 (mitogen-activated protein kinase kinase kinase 7; minus strand). Cytogenetic location: 6q15.
Variant type: single nucleotide variant.
Coding change: c.745C>T on transcript NM_145331.3 (MANE Select); coding-DNA position 745, C replaced by T.
Protein change: p.Pro249Ser; replaces proline 249 with serine.
Molecular consequence: missense variant.
Genome position (GRCh38, 1-based): chr6:90,552,171, G>A on the plus strand (C>T on the coding strand, the complement: MAP3K7 is on the minus strand). VCF-style: chr6-90552171-G-A. GRCh37 (hg19) VCF-style: chr6-91261890-G-A.
Other names: c.745C>T, p.Pro249Ser (NM_003188.4, NM_145332.3, NM_145333.3); c.745C>T (NM_145331.2); short protein forms P249S.
Identifiers: ClinVar variation 1320301 (VCV001320301.2), dbSNP rs2127974491, ClinGen allele CA365011980.

ClinVar aggregate classification (germline): Conflicting classifications of pathogenicity. Review status: criteria provided, conflicting classifications (1 of 4 stars). 2 submissions from 2 submitters: Likely pathogenic (1); Uncertain significance (1). Last evaluated 2024-04-15.

Conditions:
Delayed skeletal maturation. Also called: Delayed bone age. Identifiers: MedGen C0541764, HP:0002750.

Submissions (2):

GeneDx
Classification: Uncertain significance. Last evaluated: 2024-04-15. Review status: criteria provided, single submitter. Criteria: GeneDx Variant Classification Process June 2021. Collection method: clinical testing. Allele origin: germline. Affected: yes.
Comment: Not observed at significant frequency in large population cohorts (gnomAD); In silico analysis supports that this missense variant has a deleterious effect on protein structure/function; This variant is associated with the following publications: (PMID: 35305867)

Center for Pediatric Genomic Medicine, Children's Mercy Hospital and Clinics
Classification: Likely pathogenic for Delayed skeletal maturation. Last evaluated: 2019-12-30. Review status: criteria provided, single submitter. Criteria: ACMG Guidelines, 2015. Collection method: clinical testing. Allele origin: germline. Affected: yes.